The following is an entry in ClinVar:

NM_001277115.2(DNAH11):c.11114A>G (p.Tyr3705Cys)

Gene: DNAH11 (dynein axonemal heavy chain 11; plus strand). Cytogenetic location: 7p15.3.
Variant type: single nucleotide variant.
Coding change: c.11114A>G on transcript NM_001277115.2 (MANE Select); coding-DNA position 11114, A replaced by G.
Protein change: p.Tyr3705Cys; replaces tyrosine 3705 with cysteine.
Molecular consequence: missense variant.
Genome position (GRCh38, 1-based): chr7:21,854,367, A>G. VCF-style: chr7-21854367-A-G. GRCh37 (hg19) VCF-style: chr7-21893985-A-G.
Other names: short protein forms Y3705C.
Identifiers: ClinVar variation 565514 (VCV000565514.11), dbSNP rs370580628, ClinGen allele CA4182622.

ClinVar aggregate classification (germline): Conflicting classifications of pathogenicity. Review status: criteria provided, conflicting classifications (1 of 4 stars). 3 submissions from 3 submitters: Uncertain significance (2); Benign (1). Last evaluated 2025-10-02.

Conditions:
Primary ciliary dyskinesia 7. Also called: CILIARY DYSKINESIA, PRIMARY, 7, WITH OR WITHOUT SITUS INVERSUS. Identifiers: Orphanet 244, MedGen C2678473, MONDO:0012748, OMIM 611884.
Primary ciliary dyskinesia. Also called: Ciliary dyskinesia. Identifiers: Orphanet 244, MedGen C0008780, MONDO:0016575, HP:0012265.

Allele frequency attached by ClinVar (database versions not stated): gnomAD exomes 0.00002 and 0.00004; ExAC 0.00004; gnomAD 0.00005; TOPMed 0.00005; ESP Exome Variant Server 0.00008.
gnomAD v4.1: 38 of 1,613,792 alleles (0.0024%); highest among the groups gnomAD compares: Admixed American, 0.012%; no homozygotes.

Submissions (3):

3billion
Classification: Uncertain significance for Primary ciliary dyskinesia 7. Last evaluated: 2025-10-02. Review status: criteria provided, single submitter. Criteria: ACMG Guidelines, 2015. Collection method: clinical testing. Allele origin: germline. Affected: yes.
Comment: The variant is observed at an extremely low frequency in the gnomAD v4.1.0 dataset (total allele frequency: 0.002%). Predicted Consequence/Location: Missense variant In silico tool predictions suggest damaging effect of the variant on gene or gene product [REVEL: 0.83 (>=0.6, sensitivity 0.68 and specificity 0.92); 3Cnet: 0.12 (> 0.75, sensitivity 0.96 and precision 0.92)]. Different missense changes at the same codon have been reported as of uncertain significance (ClinVar ID: VCV000579908). Therefore, this variant is classified as VUS according to the recommendation of ACMG/AMP guideline.

Labcorp Genetics (formerly Invitae), Labcorp
Classification: Benign for Primary ciliary dyskinesia. Last evaluated: 2025-05-07. Review status: criteria provided, single submitter. Criteria: Invitae Variant Classification Sherloc (09022015). Collection method: clinical testing. Allele origin: germline.

Ambry Genetics
Classification: Uncertain significance for Primary ciliary dyskinesia. Last evaluated: 2023-11-29. Review status: criteria provided, single submitter. Criteria: Ambry Variant Classification Scheme 2023. Collection method: clinical testing. Allele origin: germline.